The following is an entry in ClinVar:

NM_000169.3(GLA):c.1220T>A (p.Ile407Lys)

Genes: GLA (galactosidase alpha; minus strand), RPL36A-HNRNPH2 (RPL36A-HNRNPH2 readthrough; plus strand). Cytogenetic location: Xq22.1.
Variant type: single nucleotide variant.
Coding change: c.1220T>A on transcript NM_000169.3 (MANE Select); coding-DNA position 1220, T replaced by A.
Protein change: p.Ile407Lys; replaces isoleucine 407 with lysine.
Molecular consequence: missense variant. On other transcripts: non-coding transcript variant (3), intron variant (2).
Genome position (GRCh38, 1-based): chrX:101,397,879, A>T on the plus strand (T>A on the coding strand, the complement: GLA is on the minus strand). VCF-style: chrX-101397879-A-T. GRCh37 (hg19) VCF-style: chrX-100652867-A-T.
Other names: c.1343T>A, p.Ile448Lys (NM_001406747.1); c.300+2422A>T (NM_001199973.2); c.177+6057A>T (NM_001199974.2); short protein forms I407K, I448K.
Identifiers: ClinVar variation 4087661 (VCV004087661.2).

ClinVar aggregate classification (germline): Likely pathogenic (1 of 4 stars; one submission).

Conditions:
Fabry disease. Also called: ALPHA-GALACTOSIDASE A DEFICIENCY; ANDERSON-FABRY DISEASE; CERAMIDE TRIHEXOSIDASE DEFICIENCY; GLA DEFICIENCY; HEREDITARY DYSTOPIC LIPIDOSIS; Angiokeratoma corporis diffusum. Identifiers: Orphanet 324, MedGen C0002986, MONDO:0010526, OMIM 301500, HP:0001071. Disease mechanism: Fabry disease is due to inactivating mutations in the X-linked GLA gene resulting in deficiency of the enzyme Alpha Galactosidase-A., loss of function.

Submission:

Genomenon, Inc
Classification: Likely pathogenic for Fabry disease. Last evaluated: 2026-09-08. Review status: criteria provided, single submitter. Criteria: Genomenon Sequence Variant Interpretation Standards - Updated. Collection method: curation. Allele origin: germline. Affected: yes.
Comment: GLA p.Ile407Lys (c.1220T>A) is a missense variant that changes the amino acid at codon 407 from Isoleucine to Lysine. This variant has been observed in at least one proband with clinical features consistent with Fabry disease (PMID:12938095;39609713;36165155). At least one functional study has demonstrated a substantial alteration in protein function relative to the wild-type (PMID:27657681). It is absent or not present at a significant frequency in gnomAD. In silico models predict that this variant is possibly or probably damaging. In conclusion, we classify GLA p.Ile407Lys (c.1220T>A) as a likely pathogenic variant.

Literature cited by the submitters: PubMed 12938095; PubMed 39609713; PubMed 36165155; PubMed 27657681.